The following is an entry in ClinVar:

NM_006129.5(BMP1):c.1486C>T (p.Arg496Cys)

Genes: BMP1 (bone morphogenetic protein 1; plus strand), LOC113788269 (BRD4-independent group 4 enhancer GRCh37_chr8:22052064-22053263; plus strand). Cytogenetic location: 8p21.3.
Variant type: single nucleotide variant.
Coding change: c.1486C>T on transcript NM_006129.5 (MANE Select); coding-DNA position 1486, C replaced by T.
Protein change: p.Arg496Cys; replaces arginine 496 with cysteine.
Molecular consequence: missense variant. On other transcripts: non-coding transcript variant (2).
Genome position (GRCh38, 1-based): chr8:22,194,766, C>T. VCF-style: chr8-22194766-C-T. GRCh37 (hg19) VCF-style: chr8-22052279-C-T.
Other names: c.1486C>T, p.Arg496Cys (NM_001199.4); short protein forms R496C.
Identifiers: ClinVar variation 1523455 (VCV001523455.4), dbSNP rs200653366, ClinGen allele CA4664691.

ClinVar aggregate classification (germline): Uncertain significance. Review status: criteria provided, multiple submitters, no conflicts (2 of 4 stars). 2 submissions from 2 submitters: Uncertain significance (2). Last evaluated 2022-03-18.

Allele frequency attached by ClinVar (database versions not stated): gnomAD 0.00001; TOPMed 0.00001; 1000 Genomes Project 30x 0.00016; 1000 Genomes Project 0.00020.
gnomAD v4.1: 25 of 1,612,852 alleles (0.0016%); highest among the groups gnomAD compares: Non-Finnish European, 0.0017%; no homozygotes.

Submissions (2):

Labcorp Genetics (formerly Invitae), Labcorp
Classification: Uncertain significance. Last evaluated: 2022-03-18. Review status: criteria provided, single submitter. Criteria: Invitae Variant Classification Sherloc (09022015). Collection method: clinical testing. Allele origin: germline.
Comment: This sequence change replaces arginine, which is basic and polar, with cysteine, which is neutral and slightly polar, at codon 496 of the BMP1 protein (p.Arg496Cys). This variant is present in population databases (rs200653366, gnomAD 0.01%). This variant has not been reported in the literature in individuals affected with BMP1-related conditions. Algorithms developed to predict the effect of missense changes on protein structure and function (SIFT, PolyPhen-2, Align-GVGD) all suggest that this variant is likely to be disruptive. In summary, the available evidence is currently insufficient to determine the role of this variant in disease. Therefore, it has been classified as a Variant of Uncertain Significance.

Breakthrough Genomics
Classification: Uncertain significance. Review status: criteria provided, single submitter. Criteria: ACMG Guidelines, 2015. Collection method: not provided. Allele origin: germline. Inheritance: Autosomal recessive inheritance. Affected: yes.